The following is an entry in ClinVar:

NM_032444.4(SLX4):c.4160C>A (p.Thr1387Asn)

Gene: SLX4 (SLX4 structure-specific endonuclease subunit; minus strand). Cytogenetic location: 16p13.3.
Variant type: single nucleotide variant.
Coding change: c.4160C>A on transcript NM_032444.4 (MANE Select); coding-DNA position 4160, C replaced by A.
Protein change: p.Thr1387Asn; replaces threonine 1387 with asparagine.
Molecular consequence: missense variant.
Genome position (GRCh38, 1-based): chr16:3,589,478, G>T on the plus strand (C>A on the coding strand, the complement: SLX4 is on the minus strand). VCF-style: chr16-3589478-G-T. GRCh37 (hg19) VCF-style: chr16-3639479-G-T.
Other names: short protein forms T1387N.
Identifiers: ClinVar variation 3017232 (VCV003017232.3), dbSNP rs770785594, ClinGen allele CA394518300.

ClinVar aggregate classification (germline): Uncertain significance (1 of 4 stars; one submission).

Conditions:
Fanconi anemia (FA). Also called: Fanconi's anemia. Identifiers: Orphanet 84, MedGen C0015625, MeSH D005199, MONDO:0019391.

Submission:

Labcorp Genetics (formerly Invitae), Labcorp
Classification: Uncertain significance for Fanconi anemia. Last evaluated: 2023-02-04. Review status: criteria provided, single submitter. Criteria: Invitae Variant Classification Sherloc (09022015). Collection method: clinical testing. Allele origin: germline.
Comment: In summary, the available evidence is currently insufficient to determine the role of this variant in disease. Therefore, it has been classified as a Variant of Uncertain Significance. Algorithms developed to predict the effect of missense changes on protein structure and function output the following: SIFT: "Tolerated"; PolyPhen-2: "Benign"; Align-GVGD: "Class C0". The asparagine amino acid residue is found in multiple mammalian species, which suggests that this missense change does not adversely affect protein function. This variant has not been reported in the literature in individuals affected with SLX4-related conditions. This variant is not present in population databases (gnomAD no frequency). This sequence change replaces threonine, which is neutral and polar, with asparagine, which is neutral and polar, at codon 1387 of the SLX4 protein (p.Thr1387Asn).